The following is an entry in ClinVar:

ClinVar aggregate classification (germline): Benign/Likely benign. Review status: criteria provided, multiple submitters, no conflicts (2 of 4 stars). 2 submissions from 2 submitters: Benign (1); Likely benign (1). Last evaluated 2024-08-01.

Conditions:
Juvenile polyposis syndrome (JPS). Identifiers: Orphanet 2929, MedGen C0345893, MONDO:0017380, OMIM 174900.

Submissions (2):

Myriad Genetics, Inc.
Classification: Benign for Juvenile polyposis syndrome. Last evaluated: 2024-08-01. Review status: criteria provided, single submitter. Criteria: Myriad Autosomal Dominant, Autosomal Recessive and X-Linked Classification Criteria (2023). Collection method: clinical testing. Allele origin: unknown.
Comment: This variant is considered benign. This variant is a silent/synonymous amino acid change and it is not expected to impact splicing.

Labcorp Genetics (formerly Invitae), Labcorp
Classification: Likely benign for Juvenile polyposis syndrome. Last evaluated: 2023-07-21. Review status: criteria provided, single submitter. Criteria: Invitae Variant Classification Sherloc (09022015). Collection method: clinical testing. Allele origin: germline.

NM_004329.3(BMPR1A):c.348C>T (p.Ala116=)

Gene: BMPR1A (bone morphogenetic protein receptor type 1A; plus strand). Cytogenetic location: 10q23.2.
Variant type: single nucleotide variant.
Coding change: c.348C>T on transcript NM_004329.3 (MANE Select); coding-DNA position 348, C replaced by T.
Protein change: p.Ala116=; no amino-acid change (alanine 116 retained).
Molecular consequence: synonymous variant.
Genome position (GRCh38, 1-based): chr10:86,899,808, C>T. VCF-style: chr10-86899808-C-T. GRCh37 (hg19) VCF-style: chr10-88659565-C-T.
Identifiers: ClinVar variation 1542908 (VCV001542908.9), dbSNP rs2133453411, ClinGen allele CA470306453.